The following is an entry in ClinVar:

ClinVar aggregate classification (germline): Uncertain significance (1 of 4 stars; one submission).

Conditions:
Hereditary cancer-predisposing syndrome. Also called: Neoplastic Syndromes, Hereditary; Tumor predisposition; Hereditary neoplastic syndrome; Hereditary Cancer Syndrome. Identifiers: Orphanet 140162, MedGen C0027672, MeSH D009386, MONDO:0015356.

Submission:

Ambry Genetics
Classification: Uncertain significance for Hereditary cancer-predisposing syndrome. Last evaluated: 2026-07-06. Review status: criteria provided, single submitter. Criteria: Ambry Variant Classification Scheme 2023. Collection method: clinical testing. Allele origin: germline.
Comment: The p.T331K variant (also known as c.992C>A), located in coding exon 5 of the FLCN gene, results from a C to A substitution at nucleotide position 992. The threonine at codon 331 is replaced by lysine, an amino acid with similar properties. This amino acid position is conserved. In addition, this alteration is predicted to be tolerated by in silico analysis. Based on the available evidence, the clinical significance of this variant remains unclear.

NM_144997.7(FLCN):c.871+121C>A

Gene: FLCN (folliculin; minus strand). Cytogenetic location: 17p11.2.
Variant type: single nucleotide variant.
Coding change: c.871+121C>A on transcript NM_144997.7 (MANE Select); 121 bases into the intron after coding-DNA position 871, C replaced by A.
Molecular consequence: intron variant. On other transcripts: missense variant (1).
Genome position (GRCh38, 1-based): chr17:17,221,416, G>T on the plus strand (C>A on the coding strand, the complement: FLCN is on the minus strand). VCF-style: chr17-17221416-G-T. GRCh37 (hg19) VCF-style: chr17-17124730-G-T.
Other names: c.992C>A, p.Thr331Lys (NM_144606.7); c.871+121C>A (NM_001353231.2, NM_001353230.2); c.925+121C>A (NM_001353229.2); short protein forms T331K.
Identifiers: ClinVar variation 5021853 (VCV005021853.1).